The following is an entry in ClinVar:

NM_004415.4(DSP):c.928G>A (p.Glu310Lys)

Gene: DSP (desmoplakin; plus strand). Cytogenetic location: 6p24.3.
Variant type: single nucleotide variant.
Coding change: c.928G>A on transcript NM_004415.4 (MANE Select); coding-DNA position 928, G replaced by A.
Protein change: p.Glu310Lys; replaces glutamic acid 310 with lysine.
Molecular consequence: missense variant.
Genome position (GRCh38, 1-based): chr6:7,565,509, G>A. VCF-style: chr6-7565509-G-A. GRCh37 (hg19) VCF-style: chr6-7565742-G-A.
Other names: c.928G>A, p.Glu310Lys (NM_001008844.3, NM_001319034.2, NM_001406591.1); short protein forms E310K.
Identifiers: ClinVar variation 3505481 (VCV003505481.3).
Genomic context (GRCh38, chr6:7,565,509, plus strand): 5'-GAGGAGGAGGAGCTGCTGTACGACTGGAGCGACAAGAACACCAACATCGCTCAGAAACAG[G>A]AGGCCTTCTCCGTAAGTTCACCCCACGCGGCTGTAGATGCTTGTCTTGAGCCTGTTGCCT-3'
Protein context (NP_004406.2, residues 300-320): DKNTNIAQKQ[Glu310Lys]AFSIRMSQLE

ClinVar aggregate classification (germline): Uncertain significance. Review status: criteria provided, multiple submitters, no conflicts (2 of 4 stars). 2 submissions from 2 submitters: Uncertain significance (2). Last evaluated 2024-10-22.

Conditions:
Cardiovascular phenotype. Identifiers: MedGen CN230736.
Arrhythmogenic cardiomyopathy with wooly hair and keratoderma. Also called: PALMOPLANTAR KERATODERMA WITH LEFT VENTRICULAR CARDIOMYOPATHY AND WOOLLY HAIR; Carvajal syndrome; Arrhythmogenic cardiomyopathy with woolly hair and keratoderma; Dilated cardiomyopathy with woolly hair and keratoderma. Identifiers: Orphanet 65282, MedGen C1854063, MONDO:0011581, OMIM 605676.
Arrhythmogenic right ventricular dysplasia 8 (ARVD8). Also called: Arrhythmogenic Right Ventricular Dysplasia/Cardiomyopathy 8; ARRHYTHMOGENIC RIGHT VENTRICULAR DYSPLASIA, FAMILIAL, 8; ARRHYTHMOGENIC RIGHT VENTRICULAR CARDIOMYOPATHY 8. Identifiers: MedGen C1843896, MONDO:0011831, OMIM 607450.

Submissions (2):

Labcorp Genetics (formerly Invitae), Labcorp
Classification: Uncertain significance for Arrhythmogenic cardiomyopathy with wooly hair and keratoderma; Arrhythmogenic right ventricular dysplasia 8. Last evaluated: 2024-10-22. Review status: criteria provided, single submitter. Criteria: Invitae Variant Classification Sherloc (09022015). Collection method: clinical testing. Allele origin: germline.
Comment: This sequence change replaces glutamic acid, which is acidic and polar, with lysine, which is basic and polar, at codon 310 of the DSP protein (p.Glu310Lys). This variant is not present in population databases (gnomAD no frequency). This variant has not been reported in the literature in individuals affected with DSP-related conditions. An algorithm developed to predict the effect of missense changes on protein structure and function (PolyPhen-2) suggests that this variant is likely to be disruptive. In summary, the available evidence is currently insufficient to determine the role of this variant in disease. Therefore, it has been classified as a Variant of Uncertain Significance.

Ambry Genetics
Classification: Uncertain significance for Cardiovascular phenotype. Last evaluated: 2024-08-02. Review status: criteria provided, single submitter. Criteria: Ambry Variant Classification Scheme 2023. Collection method: clinical testing. Allele origin: germline.
Comment: The p.E310K variant (also known as c.928G>A), located in coding exon 7 of the DSP gene, results from a G to A substitution at nucleotide position 928. The glutamic acid at codon 310 is replaced by lysine, an amino acid with similar properties. This amino acid position is highly conserved in available vertebrate species. In addition, this alteration is predicted to be deleterious by in silico analysis. Based on the available evidence, the clinical significance of this variant remains unclear.